The following is an entry in ClinVar:

ClinVar aggregate classification (germline): Uncertain significance. Review status: criteria provided, multiple submitters, no conflicts (2 of 4 stars). 3 submissions from 3 submitters: Uncertain significance (3). Last evaluated 2025-12-08.

Conditions:
RASopathy. Also called: Noonan spectrum disorder; rasopathies. Identifiers: Orphanet 536391, MedGen C5555857, MONDO:0021060.
Noonan syndrome 4 (NS4). Also called: SOS1-Related Noonan Syndrome; NOONAN SYNDROME WITH PIGMENTED VILLONODULAR SYNOVITIS. Identifiers: Orphanet 648, MedGen C1853120, MONDO:0012547, OMIM 610733.

Allele frequency attached by ClinVar (database versions not stated): gnomAD exomes below 0.00001; ExAC 0.00001; gnomAD 0.00002; TOPMed 0.00002.
gnomAD v4.1: 4 of 1,613,258 alleles (0.00025%); highest among the groups gnomAD compares: African/African-American, 0.004%; no homozygotes.

Submissions (3):

Labcorp Genetics (formerly Invitae), Labcorp
Classification: Uncertain significance for RASopathy. Last evaluated: 2025-12-08. Review status: criteria provided, single submitter. Criteria: Invitae Variant Classification Sherloc (09022015). Collection method: clinical testing. Allele origin: germline.
Comment: This sequence change replaces glutamic acid, which is acidic and polar, with lysine, which is basic and polar, at codon 584 of the SOS1 protein (p.Glu584Lys). This variant is not present in population databases (gnomAD no frequency). This variant has not been reported in the literature in individuals affected with SOS1-related conditions. ClinVar contains an entry for this variant (Variation ID: 1801923). Invitae Evidence Modeling of protein sequence and biophysical properties (such as structural, functional, and spatial information, amino acid conservation, physicochemical variation, residue mobility, and thermodynamic stability) has been performed for this missense variant. However, the output from this modeling did not meet the statistical confidence thresholds required to predict the impact of this variant on SOS1 protein function. In summary, the available evidence is currently insufficient to determine the role of this variant in disease. Therefore, it has been classified as a Variant of Uncertain Significance.

St. Jude Molecular Pathology, St. Jude Children's Research Hospital
Classification: Uncertain significance for Noonan syndrome 4. Last evaluated: 2024-08-21. Review status: criteria provided, single submitter. Criteria: St. Jude Assertion Criteria 2020. Collection method: clinical testing. Allele origin: germline.
Comment: The SOS1 c.1750G>A (p.Glu584Lys) missense change has a maximum subpopulation frequency of 0.006% in gnomAD v2.1.1. This variant occurs in a gene where missense variants are more likely to be damaging based on methods described by Lek et al. (PMID: 27535533). The in silico tool REVEL is inconclusive about a pathogenic or benign effect of this variant on protein function, and to our knowledge functional studies have not been performed. To our knowledge, this variant has not been reported in individuals with Noonan syndrome. In summary, the evidence currently available is insufficient to determine the clinical significance of this variant. It has therefore been classified as of uncertain significance.

GeneDx
Classification: Uncertain significance. Last evaluated: 2022-06-03. Review status: criteria provided, single submitter. Criteria: GeneDx Variant Classification Process June 2021. Collection method: clinical testing. Allele origin: germline. Affected: yes.
Comment: Missense variants in this gene are often considered pathogenic (HGMD); In silico analysis supports that this missense variant has a deleterious effect on protein structure/function; Has not been previously published as pathogenic or benign to our knowledge; This variant is associated with the following publications: (PMID: 29493581)

NM_005633.4(SOS1):c.1750G>A (p.Glu584Lys)

Gene: SOS1 (SOS Ras/Rac guanine nucleotide exchange factor 1; minus strand). Cytogenetic location: 2p22.1.
Variant type: single nucleotide variant.
Coding change: c.1750G>A on transcript NM_005633.4 (MANE Select); coding-DNA position 1750, G replaced by A.
Protein change: p.Glu584Lys; replaces glutamic acid 584 with lysine.
Molecular consequence: missense variant.
Genome position (GRCh38, 1-based): chr2:39,022,678, C>T on the plus strand (G>A on the coding strand, the complement: SOS1 is on the minus strand). VCF-style: chr2-39022678-C-T. GRCh37 (hg19) VCF-style: chr2-39249819-C-T.
Other names: c.1729G>A, p.Glu577Lys (NM_001382394.1); c.1750G>A, p.Glu584Lys (NM_001382395.1); short protein forms E577K, E584K.
Identifiers: ClinVar variation 1801923 (VCV001801923.7), dbSNP rs771878514, ClinGen allele CA1624557.